The following is an entry in ClinVar:

NM_058216.3(RAD51C):c.537C>T (p.His179=)

Gene: RAD51C (RAD51 paralog C; plus strand). Cytogenetic location: 17q22.
Variant type: single nucleotide variant.
Coding change: c.537C>T on transcript NM_058216.3 (MANE Select); coding-DNA position 537, C replaced by T.
Protein change: p.His179=; no amino-acid change (histidine 179 retained).
Molecular consequence: synonymous variant.
Genome position (GRCh38, 1-based): chr17:58,696,825, C>T. VCF-style: chr17-58696825-C-T. GRCh37 (hg19) VCF-style: chr17-56774186-C-T.
Other names: c.537C>T (LRG_314t1).
Identifiers: ClinVar variation 538795 (VCV000538795.22), dbSNP rs372385738, ClinGen allele CA8677252.

ClinVar aggregate classification (germline): Benign/Likely benign. Review status: criteria provided, multiple submitters, no conflicts (2 of 4 stars). 7 submissions from 7 submitters: Benign (1); Likely benign (6). Last evaluated 2026-04-28.

Conditions:
Fanconi anemia complementation group O. Also called: RAD51C-Related Fanconi Anemia. Identifiers: Orphanet 84, MedGen C3150653, MONDO:0013248, OMIM 613390.
Breast-ovarian cancer, familial, susceptibility to, 3. Also called: RAD51C-Related Breast/Ovarian Cancer. Identifiers: Orphanet 145, MedGen C3150659, MONDO:0013253, OMIM 613399.
RAD51C-related disorder. Also called: RAD51C-related condition; RAD51C-related disorders.
Hereditary cancer-predisposing syndrome. Also called: Tumor predisposition; Hereditary neoplastic syndrome; Neoplastic Syndromes, Hereditary; Hereditary Cancer Syndrome. Identifiers: Orphanet 140162, MedGen C0027672, MeSH D009386, MONDO:0015356.

Allele frequency attached by ClinVar (database versions not stated): TOPMed 0.00001; ESP Exome Variant Server 0.00008; ExAC 0.00001; gnomAD 0.00001.
gnomAD v4.1: 3 of 1,614,016 alleles (0.00019%); highest among the groups gnomAD compares: African/African-American, 0.004%; no homozygotes.

Submissions (7):

PreventionGenetics, part of Exact Sciences
Classification: Likely benign for RAD51C-related condition. Last evaluated: 2026-04-28. Review status: criteria provided, single submitter. Criteria: ACMG Guidelines, 2015. Collection method: clinical testing. Allele origin: germline.
Comment: This variant is classified as likely benign based on ACMG/AMP sequence variant interpretation guidelines (Richards et al. 2015 PMID: 25741868, with internal and published modifications).

Labcorp Genetics (formerly Invitae), Labcorp
Classification: Likely benign for Fanconi anemia complementation group O. Last evaluated: 2025-09-01. Review status: criteria provided, single submitter. Criteria: Invitae Variant Classification Sherloc (09022015). Collection method: clinical testing. Allele origin: germline.

Myriad Genetics, Inc.
Classification: Benign for Breast-ovarian cancer, familial, susceptibility to, 3. Last evaluated: 2025-02-18. Review status: criteria provided, single submitter. Criteria: Myriad Autosomal Dominant, Autosomal Recessive and X-Linked Classification Criteria (2023). Collection method: clinical testing. Allele origin: unknown.
Comment: This variant is considered benign. This variant is a silent/synonymous amino acid change and it is not expected to impact splicing.

Quest Diagnostics Nichols Institute San Juan Capistrano
Classification: Likely benign. Last evaluated: 2023-07-18. Review status: criteria provided, single submitter. Criteria: Quest Diagnostics criteria. Collection method: clinical testing. Allele origin: unknown.

Fulgent Genetics
Classification: Likely benign for Fanconi anemia complementation group O; Breast-ovarian cancer, familial, susceptibility to, 3. Last evaluated: 2022-03-28. Review status: criteria provided, single submitter. Criteria: ACMG Guidelines, 2015. Collection method: clinical testing. Allele origin: unknown.

Women's Health and Genetics/Laboratory Corporation of America, LabCorp
Classification: Likely benign. Last evaluated: 2019-08-29. Review status: criteria provided, single submitter. Criteria: LabCorp Variant Classification Summary - May 2015. Collection method: clinical testing. Allele origin: germline.

Ambry Genetics
Classification: Likely benign for Hereditary cancer-predisposing syndrome. Last evaluated: 2018-12-29. Review status: criteria provided, single submitter. Criteria: Ambry Variant Classification Scheme 2023. Collection method: clinical testing. Allele origin: germline.